The following is an entry in ClinVar:

ClinVar aggregate classification (germline): Uncertain significance. Review status: criteria provided, multiple submitters, no conflicts (2 of 4 stars). 3 submissions from 3 submitters: Uncertain significance (3). Last evaluated 2026-01-26.

Conditions:
Cardiovascular phenotype. Identifiers: MedGen CN230736.
Dilated cardiomyopathy 1JJ (CMD1JJ). Identifiers: Orphanet 154, MedGen C3808935, MONDO:0014095, OMIM 615235.

Allele frequency attached by ClinVar (database versions not stated): gnomAD 0.00002 and 0.00003; TOPMed 0.00002; 1000 Genomes Project 30x 0.00016; 1000 Genomes Project 0.00020.
gnomAD v4.1: 15 of 1,614,070 alleles (0.00093%); highest among the groups gnomAD compares: Middle Eastern, 0.016%; no homozygotes.

Submissions (3):

Women's Health and Genetics/Laboratory Corporation of America, LabCorp
Classification: Uncertain significance. Last evaluated: 2026-01-26. Review status: criteria provided, single submitter. Criteria: LabCorp Variant Classification Summary - May 2015. Collection method: clinical testing. Allele origin: germline.

Ambry Genetics
Classification: Uncertain significance for Cardiovascular phenotype. Last evaluated: 2025-10-01. Review status: criteria provided, single submitter. Criteria: Ambry Variant Classification Scheme 2023. Collection method: clinical testing. Allele origin: germline.
Comment: The p.D83N variant (also known as c.247G>A), located in coding exon 2 of the LAMA4 gene, results from a G to A substitution at nucleotide position 247. The aspartic acid at codon 83 is replaced by asparagine, an amino acid with highly similar properties. This amino acid position is well conserved in available vertebrate species. In addition, this alteration is predicted to be tolerated by in silico analysis. The evidence for this gene-disease relationship is limited; therefore, the clinical significance of this alteration is unclear.

Labcorp Genetics (formerly Invitae), Labcorp
Classification: Uncertain significance for Dilated cardiomyopathy 1JJ. Last evaluated: 2024-06-04. Review status: criteria provided, single submitter. Criteria: Invitae Variant Classification Sherloc (09022015). Collection method: clinical testing. Allele origin: germline.
Comment: This sequence change replaces aspartic acid, which is acidic and polar, with asparagine, which is neutral and polar, at codon 83 of the LAMA4 protein (p.Asp83Asn). This variant is present in population databases (rs531319918, gnomAD 0.01%). This variant has not been reported in the literature in individuals affected with LAMA4-related conditions. ClinVar contains an entry for this variant (Variation ID: 1351032). An algorithm developed to predict the effect of missense changes on protein structure and function (PolyPhen-2) suggests that this variant is likely to be tolerated. In summary, the available evidence is currently insufficient to determine the role of this variant in disease. Therefore, it has been classified as a Variant of Uncertain Significance.

NM_001105206.3(LAMA4):c.247G>A (p.Asp83Asn)

Gene: LAMA4 (laminin subunit alpha 4; minus strand). Cytogenetic location: 6q21.
Variant type: single nucleotide variant.
Coding change: c.247G>A on transcript NM_001105206.3 (MANE Select); coding-DNA position 247, G replaced by A.
Protein change: p.Asp83Asn; replaces aspartic acid 83 with asparagine.
Molecular consequence: missense variant.
Genome position (GRCh38, 1-based): chr6:112,216,418, C>T on the plus strand (G>A on the coding strand, the complement: LAMA4 is on the minus strand). VCF-style: chr6-112216418-C-T. GRCh37 (hg19) VCF-style: chr6-112537619-C-T.
Other names: c.247G>A, p.Asp83Asn (NM_001105207.3, NM_002290.5); short protein forms D83N.
Identifiers: ClinVar variation 1351032 (VCV001351032.10), dbSNP rs531319918, ClinGen allele CA3966261.
Genomic context (GRCh38, chr6:112,216,418, plus strand): 5'-CCCAACTTACCACACAGTATCCTGAGCCGTCCAAACACTCGTTGGAATTGCCATTACAGT[C>T]GCAGGGCACACATTCTCCCGACAGGGTGTGAAAGAATCCAGCATTGCATTTCTGCAACAG-3'
Protein context (NP_001098676.2, residues 73-93): HTLSGECVPC[Asp83Asn]CNGNSNECLD